The following is an entry in ClinVar:

ClinVar aggregate classification (germline): Uncertain significance (1 of 4 stars; one submission).

Conditions:
PKD1-related disorder. Also called: PKD1-related condition.

Submission:

PreventionGenetics, part of Exact Sciences
Classification: Uncertain significance for PKD1-related condition. Last evaluated: 2025-12-17. Review status: criteria provided, single submitter. Criteria: ACMG Guidelines, 2015. Collection method: clinical testing. Allele origin: germline.
Comment: The PKD1 c.12595G>T variant is predicted to result in the amino acid substitution p.Val4199Leu. To our knowledge, this variant has not been reported in the literature or in a large population database (gnomAD), indicating this variant is rare. At this time, the clinical significance of this variant is uncertain due to the absence of conclusive functional and genetic evidence.

NM_001009944.3(PKD1):c.12595G>T (p.Val4199Leu)

Gene: PKD1 (polycystin 1, transient receptor potential channel interacting; minus strand). Cytogenetic location: 16p13.3.
Variant type: single nucleotide variant.
Coding change: c.12595G>T on transcript NM_001009944.3 (MANE Select); coding-DNA position 12595, G replaced by T.
Protein change: p.Val4199Leu; replaces valine 4199 with leucine.
Molecular consequence: missense variant.
Genome position (GRCh38, 1-based): chr16:2,090,044, C>A on the plus strand (G>T on the coding strand, the complement: PKD1 is on the minus strand). VCF-style: chr16-2090044-C-A. GRCh37 (hg19) VCF-style: chr16-2140045-C-A.
Other names: c.12592G>T, p.Val4198Leu (NM_000296.4); short protein forms V4199L, V4198L.
Identifiers: ClinVar variation 5001520 (VCV005001520.1).